The following is an entry in ClinVar:

NM_001845.6(COL4A1):c.145-5T>C

Gene: COL4A1 (collagen type IV alpha 1 chain; minus strand). Cytogenetic location: 13q34.
Variant type: single nucleotide variant.
Coding change: c.145-5T>C on transcript NM_001845.6 (MANE Select); 5 bases into the intron before coding-DNA position 145, T replaced by C.
Molecular consequence: intron variant.
Genome position (GRCh38, 1-based): chr13:110,214,020, A>G on the plus strand (T>C on the coding strand, the complement: COL4A1 is on the minus strand). VCF-style: chr13-110214020-A-G. GRCh37 (hg19) VCF-style: chr13-110866367-A-G.
Other names: c.145-5T>C (NM_001303110.2).
Identifiers: ClinVar variation 743784 (VCV000743784.13), dbSNP rs749251030, ClinGen allele CA7048647.

ClinVar aggregate classification (germline): Likely benign. Review status: criteria provided, multiple submitters, no conflicts (2 of 4 stars). 3 submissions from 2 submitters: Likely benign (3). Last evaluated 2023-10-13.

Conditions:
Brain small vessel disease 1 with or without ocular anomalies (BSVD1). Also called: GOULD SYNDROME 1; BRAIN SMALL VESSEL DISEASE WITH HEMORRHAGE; PORENCEPHALY, TYPE 1, AUTOSOMAL DOMINANT; Brain small vessel disease with or without ocular anomalies. Identifiers: Orphanet 2940, Orphanet 36383, Orphanet 99810, MedGen C4755307, MONDO:0008289, OMIM 175780.
Autosomal dominant familial hematuria-retinal arteriolar tortuosity-contractures syndrome. Also called: Angiopathy, hereditary, with nephropathy, aneurysms, and muscle cramps; Hereditary Angiopathy with Nephropathy, Aneurysms, and Muscle Cramps (HANAC) Syndrome. Identifiers: Orphanet 73229, MedGen C2673195, MONDO:0012726, OMIM 611773.

Allele frequency attached by ClinVar (database versions not stated): gnomAD 0.00001; gnomAD exomes 0.00003; ExAC 0.00004; TOPMed 0.00004.
gnomAD v4.1: 14 of 1,613,164 alleles (0.00087%); highest among the groups gnomAD compares: East Asian, 0.025%; no homozygotes.

Submissions (3):

Labcorp Genetics (formerly Invitae), Labcorp
Classification: Likely benign. Last evaluated: 2023-10-13. Review status: criteria provided, single submitter. Criteria: Invitae Variant Classification Sherloc (09022015). Collection method: clinical testing. Allele origin: germline.

Illumina Laboratory Services, Illumina
Classification: Likely benign for Brain small vessel disease 1 with or without ocular anomalies. Last evaluated: 2018-01-12. Review status: criteria provided, single submitter. Criteria: ICSL Variant Classification Criteria 13 December 2019. Collection method: clinical testing. Allele origin: germline.
Comment: This variant was observed in the ICSL laboratory as part of a predisposition screen in an ostensibly healthy population. It had not been previously curated by ICSL or reported in the Human Gene Mutation Database (HGMD: prior to June 1st, 2018), and was therefore a candidate for classification through an automated scoring system. Utilizing variant allele frequency, disease prevalence and penetrance estimates, and inheritance mode, an automated score was calculated to assess if this variant is too frequent to cause the disease. Based on the score and internal cut-off values, a variant classified as likely benign is not then subjected to further curation. The score for this variant resulted in a classification of likely benign for this disease.

Illumina Laboratory Services, Illumina
Classification: Likely benign for Autosomal dominant familial hematuria-retinal arteriolar tortuosity-contractures syndrome. Last evaluated: 2018-01-12. Review status: criteria provided, single submitter. Criteria: ICSL Variant Classification Criteria 13 December 2019. Collection method: clinical testing. Allele origin: germline.
Comment: the same text as in the submission from Illumina Laboratory Services, Illumina above.